The following is an entry in ClinVar:

ClinVar aggregate classification (germline): Uncertain significance. Review status: criteria provided, multiple submitters, no conflicts (2 of 4 stars). 5 submissions from 5 submitters: Uncertain significance (5). Last evaluated 2025-05-28.

Conditions:
Hereditary cancer-predisposing syndrome. Also called: Hereditary Cancer Syndrome; Tumor predisposition; Hereditary neoplastic syndrome; Neoplastic Syndromes, Hereditary. Identifiers: Orphanet 140162, MedGen C0027672, MeSH D009386, MONDO:0015356.
Congenital diarrhea 5 with tufting enteropathy. Also called: INTESTINAL EPITHELIAL CELL DYSPLASIA; Congenital tufting enteropathy. Identifiers: Orphanet 92050, MedGen C2750737, MONDO:0013184, OMIM 613217.
Lynch syndrome 8 (LYNCH8). Also called: Colorectal cancer, hereditary nonpolyposis, type 8. Identifiers: Orphanet 144, MedGen C2750471, MONDO:0013196, OMIM 613244.

Allele frequency attached by ClinVar (database versions not stated): TOPMed 0.00001; gnomAD 0.00005 and 0.00006; ESP Exome Variant Server 0.00008; gnomAD exomes 0.00013; ExAC 0.00021.
gnomAD v4.1: 111 of 1,606,780 alleles (0.0069%); highest among the groups gnomAD compares: Non-Finnish European, 0.0073%; no homozygotes.

Submissions (5):

GeneDx
Classification: Uncertain significance. Last evaluated: 2025-05-28. Review status: criteria provided, single submitter. Criteria: GeneDx Variant Classification Process June 2021. Collection method: clinical testing. Allele origin: germline. Affected: yes.
Comment: In silico analysis supports that this missense variant has a deleterious effect on protein structure/function; Has not been previously published as pathogenic or benign to our knowledge

Blueprint Genetics
Classification: Uncertain significance. Last evaluated: 2024-07-11. Review status: criteria provided, single submitter. Criteria: ACMG Guidelines, 2015. Collection method: clinical testing. Allele origin: germline.

Ambry Genetics
Classification: Uncertain significance for Hereditary cancer-predisposing syndrome. Last evaluated: 2023-10-02. Review status: criteria provided, single submitter. Criteria: Ambry Variant Classification Scheme 2023. Collection method: clinical testing. Allele origin: germline.

Fulgent Genetics
Classification: Uncertain significance for Congenital diarrhea 5 with tufting enteropathy; Lynch syndrome 8. Last evaluated: 2018-10-31. Review status: criteria provided, single submitter. Criteria: ACMG Guidelines, 2015. Collection method: clinical testing. Allele origin: unknown.

Labcorp Genetics (formerly Invitae), Labcorp
Classification: Uncertain significance. Last evaluated: 2018-05-07. Review status: criteria provided, single submitter. Criteria: Invitae Variant Classification Sherloc (09022015). Collection method: clinical testing. Allele origin: germline.
Comment: Algorithms developed to predict the effect of missense changes on protein structure and function do not agree on the potential impact of this missense change (SIFT: "Deleterious"; PolyPhen-2: "Benign"; Align-GVGD: "Class C0"). This variant has not been reported in the literature in individuals with EPCAM-related disease. ClinVar contains an entry for this variant (Variation ID: 239124). This variant is present in population databases (rs147494515, ExAC 0.06%). This sequence change replaces serine with leucine at codon 60 of the EPCAM protein (p.Ser60Leu). The serine residue is moderately conserved and there is a large physicochemical difference between serine and leucine. In summary, the available evidence is currently insufficient to determine the role of this variant in disease. Therefore, it has been classified as a Variant of Uncertain Significance.

NM_002354.3(EPCAM):c.179C>T (p.Ser60Leu)

Gene: EPCAM (epithelial cell adhesion molecule; plus strand). Cytogenetic location: 2p21.
Variant type: single nucleotide variant.
Coding change: c.179C>T on transcript NM_002354.3 (MANE Select); coding-DNA position 179, C replaced by T.
Protein change: p.Ser60Leu; replaces serine 60 with leucine.
Molecular consequence: missense variant.
Genome position (GRCh38, 1-based): chr2:47,373,565, C>T. VCF-style: chr2-47373565-C-T. GRCh37 (hg19) VCF-style: chr2-47600704-C-T.
Other names: short protein forms S60L.
Identifiers: ClinVar variation 239124 (VCV000239124.15), dbSNP rs147494515, ClinGen allele CA1648897.